The following is an entry in ClinVar:

NM_001352754.2(ARMC9):c.653T>C (p.Val218Ala)

Gene: ARMC9 (armadillo repeat containing 9; plus strand). Cytogenetic location: 2q37.1.
Variant type: single nucleotide variant.
Coding change: c.653T>C on transcript NM_001352754.2 (MANE Select); coding-DNA position 653, T replaced by C.
Protein change: p.Val218Ala; replaces valine 218 with alanine.
Molecular consequence: missense variant. On other transcripts: non-coding transcript variant (1).
Genome position (GRCh38, 1-based): chr2:231,235,254, T>C. VCF-style: chr2-231235254-T-C. GRCh37 (hg19) VCF-style: chr2-232099967-T-C.
Other names: c.653T>C, p.Val218Ala (NM_001271466.4, NM_001291656.2, NM_001352755.2 and 5 more transcripts); short protein forms V218A.
Identifiers: ClinVar variation 2110110 (VCV002110110.4), dbSNP rs2469663585, ClinGen allele CA350950707.

ClinVar aggregate classification (germline): Uncertain significance (1 of 4 stars; one submission).

Submission:

Labcorp Genetics (formerly Invitae), Labcorp
Classification: Uncertain significance. Last evaluated: 2022-10-04. Review status: criteria provided, single submitter. Criteria: Invitae Variant Classification Sherloc (09022015). Collection method: clinical testing. Allele origin: germline.
Comment: In summary, the available evidence is currently insufficient to determine the role of this variant in disease. Therefore, it has been classified as a Variant of Uncertain Significance. Experimental studies and prediction algorithms are not available or were not evaluated, and the functional significance of this variant is currently unknown. This variant has not been reported in the literature in individuals affected with ARMC9-related conditions. This variant is not present in population databases (gnomAD no frequency). This sequence change replaces valine, which is neutral and non-polar, with alanine, which is neutral and non-polar, at codon 218 of the ARMC9 protein (p.Val218Ala).